The following is an entry in ClinVar:

ClinVar aggregate classification (germline): Benign. Review status: criteria provided, multiple submitters, no conflicts (2 of 4 stars). 4 submissions from 4 submitters: Benign (3). 1 of the submissions does not count toward it. Last evaluated 2026-02-01.

Conditions:
MYH7B-related disorder. Also called: MYH7B-related condition.

Allele frequency attached by ClinVar (database versions not stated): TOPMed 0.17591; 1000 Genomes Project 30x 0.16755; ESP Exome Variant Server 0.17918; gnomAD exomes 0.19129; 1000 Genomes Project 0.17113; ExAC 0.19472.
gnomAD v4.1: 302,993 of 1,613,276 alleles (19%); highest among the groups gnomAD compares: Middle Eastern, 33%; 29,743 homozygotes.

Submissions (11):

Labcorp Genetics (formerly Invitae), Labcorp
Classification: Benign. Last evaluated: 2026-02-01. Review status: criteria provided, single submitter. Criteria: Invitae Variant Classification Sherloc (09022015). Collection method: clinical testing. Allele origin: germline.

GeneDx
Classification: Benign. Last evaluated: 2019-05-19. Review status: criteria provided, single submitter. Criteria: GeneDx Variant Classification Process June 2021. Collection method: clinical testing. Allele origin: germline. Affected: yes.

Breakthrough Genomics
Classification: Benign. Review status: criteria provided, single submitter. Criteria: ACMG Guidelines, 2015. Collection method: not provided. Allele origin: germline. Inheritance: Unknown mechanism. Affected: yes.

PreventionGenetics, part of Exact Sciences
Classification: Benign for MYH7B-related condition. Last evaluated: 2019-10-17. Review status: no assertion criteria provided. Collection method: clinical testing. Allele origin: germline. Not counted in ClinVar's aggregate classification.
Comment: This variant is classified as benign based on ACMG/AMP sequence variant interpretation guidelines (Richards et al. 2015 PMID: 25741868, with internal and published modifications).

Dr. Peter K. Rogan Lab, Western University
No classification provided (evidence only). Condition: Colorectal cancer. Review status: no classification provided. Collection method: in vitro. Allele origin: not applicable. Functional consequence: retained intron. Not counted in ClinVar's aggregate classification.

Dr. Peter K. Rogan Lab, Western University
No classification provided (evidence only). Condition: Colorectal cancer. Review status: no classification provided. Collection method: in vitro. Allele origin: not applicable. Functional consequence: retained intron. Not counted in ClinVar's aggregate classification.

Dr. Peter K. Rogan Lab, Western University
No classification provided (evidence only). Condition: Colorectal cancer. Review status: no classification provided. Collection method: in vitro. Allele origin: not applicable. Functional consequence: retained intron. Not counted in ClinVar's aggregate classification.

Dr. Peter K. Rogan Lab, Western University
No classification provided (evidence only). Condition: Colorectal cancer. Review status: no classification provided. Collection method: in vitro. Allele origin: not applicable. Functional consequence: retained intron. Not counted in ClinVar's aggregate classification.

Dr. Peter K. Rogan Lab, Western University
No classification provided (evidence only). Condition: Colorectal cancer. Review status: no classification provided. Collection method: in vitro. Allele origin: not applicable. Functional consequence: retained intron. Not counted in ClinVar's aggregate classification.

Dr. Peter K. Rogan Lab, Western University
No classification provided (evidence only). Condition: Colorectal cancer. Review status: no classification provided. Collection method: in vitro. Allele origin: not applicable. Functional consequence: retained intron. Not counted in ClinVar's aggregate classification.

Dr. Peter K. Rogan Lab, Western University
No classification provided (evidence only). Condition: Malignant lymphoma, large B-cell, diffuse. Review status: no classification provided. Collection method: in vitro. Allele origin: not applicable. Functional consequence: retained intron. Not counted in ClinVar's aggregate classification.

NM_020884.7(MYH7B):c.3843C>T (p.Ser1281=)

Gene: MYH7B (myosin heavy chain 7B; plus strand). Cytogenetic location: 20q11.22.
Variant type: single nucleotide variant.
Coding change: c.3843C>T on transcript NM_020884.7 (MANE Select); coding-DNA position 3843, C replaced by T.
Protein change: p.Ser1281=; no amino-acid change (serine 1281 retained).
Molecular consequence: synonymous variant.
Genome position (GRCh38, 1-based): chr20:34,998,390, C>T. VCF-style: chr20-34998390-C-T. GRCh37 (hg19) VCF-style: chr20-33586193-C-T.
Other names: c.3969C>T (NM_020884.4).
Identifiers: ClinVar variation 1296956 (VCV001296956.13), dbSNP rs3746436, ClinGen allele CA9827875.